The following is an entry in ClinVar:

ClinVar aggregate classification (germline): Uncertain significance (1 of 4 stars; one submission).

Conditions:
Vici syndrome (VICIS). Identifiers: Orphanet 1493, MedGen C1855772, MONDO:0009452, OMIM 242840.

Allele frequency attached by ClinVar (database versions not stated): gnomAD exomes below 0.00001; gnomAD 0.00001; TOPMed 0.00002.
gnomAD v4.1: 5 of 1,609,714 alleles (0.00031%); highest among the groups gnomAD compares: East Asian, 0.0022%; no homozygotes.

Submission:

Labcorp Genetics (formerly Invitae), Labcorp
Classification: Uncertain significance for Vici syndrome. Last evaluated: 2024-08-05. Review status: criteria provided, single submitter. Criteria: Invitae Variant Classification Sherloc (09022015). Collection method: clinical testing. Allele origin: germline.
Comment: This sequence change replaces proline, which is neutral and non-polar, with leucine, which is neutral and non-polar, at codon 563 of the EPG5 protein (p.Pro563Leu). This variant is present in population databases (no rsID available, gnomAD no frequency). This variant has not been reported in the literature in individuals affected with EPG5-related conditions. ClinVar contains an entry for this variant (Variation ID: 1450176). Advanced modeling of protein sequence and biophysical properties (such as structural, functional, and spatial information, amino acid conservation, physicochemical variation, residue mobility, and thermodynamic stability) performed at Invitae indicates that this missense variant is expected to disrupt EPG5 protein function with a positive predictive value of 80%. In summary, the available evidence is currently insufficient to determine the role of this variant in disease. Therefore, it has been classified as a Variant of Uncertain Significance.

NM_020964.3(EPG5):c.1688C>T (p.Pro563Leu)

Gene: EPG5 (ectopic P-granules 5 autophagy tethering factor; minus strand). Cytogenetic location: 18q21.1.
Variant type: single nucleotide variant.
Coding change: c.1688C>T on transcript NM_020964.3 (MANE Select); coding-DNA position 1688, C replaced by T.
Protein change: p.Pro563Leu; replaces proline 563 with leucine.
Molecular consequence: missense variant.
Genome position (GRCh38, 1-based): chr18:45,944,109, G>A on the plus strand (C>T on the coding strand, the complement: EPG5 is on the minus strand). VCF-style: chr18-45944109-G-A. GRCh37 (hg19) VCF-style: chr18-43524075-G-A.
Other names: short protein forms P563L.
Identifiers: ClinVar variation 1450176 (VCV001450176.5), dbSNP rs1026189696, ClinGen allele CA299784863.
Genomic context (GRCh38, chr18:45,944,109, plus strand): 5'-GGGAACTGTGCTAAAATGGTAACCAAATCATCTTCATTAAGGAGAATCCAACTGGTCTCA[G>A]GGTCTTCATCCTAAGGGAAAAGACAAAAAATCATGTCAGCAGATTTGATCAGATCACACT-3'
Protein context (NP_066015.2, residues 553-573): VDEGGEEDED[Pro563Leu]ETSWILLNED